The following is an entry in ClinVar:

NM_173354.5(SIK1):c.2272C>T (p.Pro758Ser)

Gene: SIK1 (salt inducible kinase 1; minus strand). Cytogenetic location: 21q22.3.
Variant type: single nucleotide variant.
Coding change: c.2272C>T on transcript NM_173354.5 (MANE Select); coding-DNA position 2272, C replaced by T.
Protein change: p.Pro758Ser; replaces proline 758 with serine.
Molecular consequence: missense variant.
Genome position (GRCh38, 1-based): chr21:43,416,822, G>A on the plus strand (C>T on the coding strand, the complement: SIK1 is on the minus strand). VCF-style: chr21-43416822-G-A. GRCh37 (hg19) VCF-style: chr21-44836702-G-A.
Other names: short protein forms P758S.
Identifiers: ClinVar variation 856098 (VCV000856098.10), dbSNP rs2081033603, ClinGen allele CA410606323.

ClinVar aggregate classification (germline): Uncertain significance (1 of 4 stars; one submission).

Conditions:
Developmental and epileptic encephalopathy, 30 (DEE30). Also called: Epileptic encephalopathy, early infantile, 30. Identifiers: MedGen C4225360, MONDO:0014595, OMIM 616341.

Submission:

Labcorp Genetics (formerly Invitae), Labcorp
Classification: Uncertain significance for Developmental and epileptic encephalopathy, 30. Last evaluated: 2019-11-18. Review status: criteria provided, single submitter. Criteria: Invitae Variant Classification Sherloc (09022015). Collection method: clinical testing. Allele origin: germline.
Comment: This sequence change replaces proline with serine at codon 758 of the SIK1 protein (p.Pro758Ser). The proline residue is moderately conserved and there is a moderate physicochemical difference between proline and serine. This variant is not present in population databases (ExAC no frequency). This variant has not been reported in the literature in individuals with SIK1-related conditions. Algorithms developed to predict the effect of missense changes on protein structure and function (SIFT, PolyPhen-2, Align-GVGD) all suggest that this variant is likely to be tolerated, but these predictions have not been confirmed by published functional studies and their clinical significance is uncertain. In summary, the available evidence is currently insufficient to determine the role of this variant in disease. Therefore, it has been classified as a Variant of Uncertain Significance.